The following is an entry in ClinVar:

NM_001042750.2(STAG2):c.2495A>G (p.His832Arg)

Gene: STAG2 (STAG2 cohesin complex component; plus strand). Cytogenetic location: Xq25.
Variant type: single nucleotide variant.
Coding change: c.2495A>G on transcript NM_001042750.2 (MANE Select); coding-DNA position 2495, A replaced by G.
Protein change: p.His832Arg; replaces histidine 832 with arginine.
Molecular consequence: missense variant.
Genome position (GRCh38, 1-based): chrX:124,071,285, A>G. VCF-style: chrX-124071285-A-G. GRCh37 (hg19) VCF-style: chrX-123205135-A-G.
Other names: c.2495A>G, p.His832Arg (NM_001042749.2, NM_001042751.2, NM_001282418.2 and 13 more transcripts); short protein forms H832R.
Identifiers: ClinVar variation 3766137 (VCV003766137.1).
Genomic context (GRCh38, chrX:124,071,285, plus strand): 5'-CATTAGTGTATACCCCTGATTCTTCATTGCAGTCTGAGTTGCTCAGCTTTATTTTGGATC[A>G]TGTCTTCATTGAACAGGATGATGATAATAATAGTGCAGGTAATTTTATTGCCATCTTTTT-3'
Protein context (NP_001036215.1, residues 822-842): QSELLSFILD[His832Arg]VFIEQDDDNN

ClinVar aggregate classification (germline): Uncertain significance (1 of 4 stars; one submission).

Submission:

GeneDx
Classification: Uncertain significance. Last evaluated: 2024-08-27. Review status: criteria provided, single submitter. Criteria: GeneDx Variant Classification Process June 2021. Collection method: clinical testing. Allele origin: germline. Affected: yes.
Comment: Not observed at significant frequency in large population cohorts (gnomAD); In silico analysis supports that this missense variant has a deleterious effect on protein structure/function; Has not been previously published as pathogenic or benign to our knowledge